The following is an entry in ClinVar:

ClinVar aggregate classification (germline): Uncertain significance (1 of 4 stars; one submission).

Conditions:
RIN2-related disorder. Also called: RIN2-related condition.

gnomAD v4.1: 14 of 1,611,522 alleles (0.00087%); highest among the groups gnomAD compares: Non-Finnish European, 0.0012%; no homozygotes.

Submission:

PreventionGenetics, part of Exact Sciences
Classification: Uncertain significance for RIN2-related condition. Last evaluated: 2024-10-16. Review status: criteria provided, single submitter. Criteria: ACMG Guidelines, 2015. Collection method: clinical testing. Allele origin: germline.
Comment: The RIN2 c.1285G>T variant is predicted to result in the amino acid substitution p.Gly429Cys. To our knowledge, this variant has not been reported in the literature or in a large population database (gnomAD), indicating this variant is rare. At this time, the clinical significance of this variant is uncertain due to the absence of conclusive functional and genetic evidence.

NM_018993.4(RIN2):c.1138G>T (p.Gly380Cys)

Gene: RIN2 (Ras and Rab interactor 2; plus strand). Cytogenetic location: 20p11.23.
Variant type: single nucleotide variant.
Coding change: c.1138G>T on transcript NM_018993.4 (MANE Select); coding-DNA position 1138, G replaced by T.
Protein change: p.Gly380Cys; replaces glycine 380 with cysteine.
Molecular consequence: missense variant.
Genome position (GRCh38, 1-based): chr20:19,975,163, G>T. VCF-style: chr20-19975163-G-T. GRCh37 (hg19) VCF-style: chr20-19955807-G-T.
Other names: c.1285G>T, p.Gly429Cys (NM_001242581.2); c.520G>T, p.Gly174Cys (NM_001378238.1); short protein forms G174C, G429C, G380C.
Identifiers: ClinVar variation 4982447 (VCV004982447.1).
Genomic context (GRCh38, chr20:19,975,163, plus strand): 5'-CGGCTGAAGAAGCAGGCTTCTTTTCTGGAAGCAGAGGGCGGTGCAAAGACCTTGAGCGGC[G>T]GCCGGCCGGGCGCAGGCCCGGAGCTGGAGCTGGGCACAGCTGGCAGCCCAGGTGGGGCCC-3'
Protein context (NP_061866.1, residues 370-390): AEGGAKTLSG[Gly380Cys]RPGAGPELEL